The following is an entry in ClinVar:

NM_182961.4(SYNE1):c.16172T>C (p.Ile5391Thr)

Gene: SYNE1 (spectrin repeat containing nuclear envelope protein 1; minus strand). Cytogenetic location: 6q25.2.
Variant type: single nucleotide variant.
Coding change: c.16172T>C on transcript NM_182961.4 (MANE Select); coding-DNA position 16172, T replaced by C.
Protein change: p.Ile5391Thr; replaces isoleucine 5391 with threonine.
Molecular consequence: missense variant.
Genome position (GRCh38, 1-based): chr6:152,321,302, A>G on the plus strand (T>C on the coding strand, the complement: SYNE1 is on the minus strand). VCF-style: chr6-152321302-A-G. GRCh37 (hg19) VCF-style: chr6-152642437-A-G.
Other names: c.15959T>C, p.Ile5320Thr (NM_033071.5); short protein forms I5320T, I5391T.
Identifiers: ClinVar variation 4881151 (VCV004881151.2).

ClinVar aggregate classification (germline): Uncertain significance (1 of 4 stars; one submission).

Conditions:
Autosomal recessive ataxia, Beauce type. Also called: ATAXIA, RECESSIVE, OF BEAUCE; SYNE1-Related Autosomal Recessive Cerebellar Ataxia; Spinocerebellar ataxia, autosomal recessive 8; SYNE1 Deficiency. Identifiers: Orphanet 88644, MedGen C1853116, MONDO:0012549, OMIM 610743.

gnomAD v4.1: 2 of 1,613,952 alleles (0.00012%); highest among the groups gnomAD compares: Non-Finnish European, 0.00017%; no homozygotes.

Submission:

Dasa
Classification: Uncertain significance for Autosomal recessive ataxia, Beauce type. Last evaluated: 2025-09-06. Review status: criteria provided, single submitter. Criteria: DASA Assertion Criteria. Collection method: clinical testing. Allele origin: germline.
Comment: NM_182961.4(SYNE1):c.16172T>C (p.Ile5391Thr) is a missense variant that results in the substitution of isoleucine with threonine. This variant is rare in population databases. The currently available literature and clinical evidence are not sufficient to establish a definitive association between this variant and the reported condition. Therefore, this variant is classified as a variant of uncertain significance.